The following is an entry in ClinVar:

ClinVar aggregate classification (germline): Conflicting classifications of pathogenicity. Review status: criteria provided, conflicting classifications (1 of 4 stars). 3 submissions from 3 submitters: Likely pathogenic (1); Uncertain significance (1). 1 of the submissions does not count toward it. Last evaluated 2025-07-14.

Conditions:
Pyruvate dehydrogenase E1-beta deficiency (PDHBD). Identifiers: Orphanet 255138, Orphanet 765, MedGen C3279841, MONDO:0013580, OMIM 614111.
Pyruvate dehydrogenase phosphatase deficiency (PDHPD). Also called: LACTIC ACIDEMIA WITH PYRUVATE DEHYDROGENASE PHOSPHATASE DEFICIENCY. Identifiers: Orphanet 79246, MedGen C1837429, MONDO:0012120, OMIM 608782.

Allele frequency attached by ClinVar (database versions not stated): ExAC 0.00002; gnomAD exomes 0.00002.
gnomAD v4.1: 11 of 1,610,206 alleles (0.00068%); highest among the groups gnomAD compares: South Asian, 0.0011%; no homozygotes.

Submissions (3):

Natera, Inc.
Classification: Likely pathogenic for Pyruvate dehydrogenase phosphatase deficiency. Last evaluated: 2025-07-14. Review status: criteria provided, single submitter. Criteria: Natera Variant Classification Schema (03/2026). Collection method: clinical testing. Allele origin: germline.
Comment: The c.106C>T variant in PDHB is a missense variant predicted to cause substitution of arginine to cysteine at amino acid 36. This variant is rare in the general population with a frequency below the threshold expected for the associated phenotype(s). This variant has been observed in one or more individuals affected with the associated recessive disease, as either homozygous or compound heterozygous with a second variant (PMID: 18164639). Functional studies show that this variant may disrupt protein function (PMID: 18164639). Computational prediction algorithms indicate this variant is likely to affect gene or protein function. Given the available evidence, this variant is classified as Likely Pathogenic.

Labcorp Genetics (formerly Invitae), Labcorp
Classification: Uncertain significance for Pyruvate dehydrogenase E1-beta deficiency. Last evaluated: 2023-07-07. Review status: criteria provided, single submitter. Criteria: Invitae Variant Classification Sherloc (09022015). Collection method: clinical testing. Allele origin: germline.
Comment: Advanced modeling of protein sequence and biophysical properties (such as structural, functional, and spatial information, amino acid conservation, physicochemical variation, residue mobility, and thermodynamic stability) performed at Invitae indicates that this missense variant is expected to disrupt PDHB protein function. ClinVar contains an entry for this variant (Variation ID: 978588). This missense change has been observed in individual(s) with pyruvate dehydrogenase lipoic acid synthetase deficiency (PDHLD) (PMID: 18164639). This variant is present in population databases (rs763842440, gnomAD 0.004%). This sequence change replaces arginine, which is basic and polar, with cysteine, which is neutral and slightly polar, at codon 36 of the PDHB protein (p.Arg36Cys). In summary, the available evidence is currently insufficient to determine the role of this variant in disease. Therefore, it has been classified as a Variant of Uncertain Significance.

OMIM
Classification: Pathogenic for PYRUVATE DEHYDROGENASE E1-BETA DEFICIENCY. Last evaluated: 2021-08-06. Review status: no assertion criteria provided. Collection method: literature only. Allele origin: germline. Not counted in ClinVar's aggregate classification.

Literature cited by the submitters: PubMed 18164639 (cited by 3 submitters).

NM_000925.4(PDHB):c.106C>T (p.Arg36Cys)

Gene: PDHB (pyruvate dehydrogenase E1 subunit beta; minus strand). Cytogenetic location: 3p14.3.
Variant type: single nucleotide variant.
Coding change: c.106C>T on transcript NM_000925.4 (MANE Select); coding-DNA position 106, C replaced by T.
Protein change: p.Arg36Cys; replaces arginine 36 with cysteine.
Molecular consequence: missense variant. On other transcripts: non-coding transcript variant (1).
Genome position (GRCh38, 1-based): chr3:58,431,975, G>A on the plus strand (C>T on the coding strand, the complement: PDHB is on the minus strand). VCF-style: chr3-58431975-G-A. GRCh37 (hg19) VCF-style: chr3-58417702-G-A.
Other names: c.106C>T, p.Arg36Cys (NM_001173468.2); c.52C>T, p.Arg18Cys (NM_001315536.2); c.106C>T (NM_000925.3); short protein forms R36C, R18C.
Identifiers: ClinVar variation 978588 (VCV000978588.9), dbSNP rs763842440, ClinGen allele CA2471645.
Genomic context (GRCh38, chr3:58,431,975, plus strand): 5'-GCAGAAATACCTTCTCATCTCTTTCCAGCTCCTCATCCATACCCTGATTTATAGCATCAC[G>A]AACTGTCACCTGTCACAGGTATGCAAAAACAGTCAATACAGAATTGTTTGGGATTCAACT-3'
Protein context (NP_000916.2, residues 26-46): TAPAALQVTV[Arg36Cys]DAINQGMDEE